The following is an entry in ClinVar:

ClinVar aggregate classification (germline): Uncertain significance. Review status: criteria provided, multiple submitters, no conflicts (2 of 4 stars). 2 submissions from 2 submitters: Uncertain significance (2). Last evaluated 2026-07-07.

Conditions:
Hereditary cancer-predisposing syndrome. Also called: Hereditary neoplastic syndrome; Neoplastic Syndromes, Hereditary; Tumor predisposition; Hereditary Cancer Syndrome. Identifiers: Orphanet 140162, MedGen C0027672, MeSH D009386, MONDO:0015356.
Oligodontia-cancer predisposition syndrome. Also called: TOOTH AGENESIS-COLORECTAL CANCER SYNDROME. Identifiers: Orphanet 300576, MedGen C1837750, MONDO:0012075, OMIM 608615. Disease mechanism: loss of function.

Allele frequency attached by ClinVar (database versions not stated): gnomAD exomes below 0.00001.
gnomAD v4.1: 1 of 1,586,756 alleles (0.000063%); highest among the groups gnomAD compares: Non-Finnish European, 0.000086%; no homozygotes.

Submissions (2):

Ambry Genetics
Classification: Uncertain significance for Hereditary cancer-predisposing syndrome. Last evaluated: 2026-07-07. Review status: criteria provided, single submitter. Criteria: Ambry Variant Classification Scheme 2023. Collection method: clinical testing. Allele origin: germline.
Comment: The p.D468N variant (also known as c.1402G>A), located in coding exon 5 of the AXIN2 gene, results from a G to A substitution at nucleotide position 1402. The aspartic acid at codon 468 is replaced by asparagine, an amino acid with highly similar properties. This amino acid position is conserved. In addition, this alteration is predicted to be tolerated by in silico analysis. Based on the available evidence, the clinical significance of this variant remains unclear.

Labcorp Genetics (formerly Invitae), Labcorp
Classification: Uncertain significance for Oligodontia-cancer predisposition syndrome. Last evaluated: 2022-08-10. Review status: criteria provided, single submitter. Criteria: Invitae Variant Classification Sherloc (09022015). Collection method: clinical testing. Allele origin: germline.
Comment: This sequence change replaces aspartic acid, which is acidic and polar, with asparagine, which is neutral and polar, at codon 468 of the AXIN2 protein (p.Asp468Asn). In summary, the available evidence is currently insufficient to determine the role of this variant in disease. Therefore, it has been classified as a Variant of Uncertain Significance. Algorithms developed to predict the effect of missense changes on protein structure and function are either unavailable or do not agree on the potential impact of this missense change (SIFT: "Tolerated"; PolyPhen-2: "Probably Damaging"; Align-GVGD: "Class C0"). This variant has not been reported in the literature in individuals affected with AXIN2-related conditions. This variant is not present in population databases (gnomAD no frequency).

NM_004655.4(AXIN2):c.1402G>A (p.Asp468Asn)

Gene: AXIN2 (axin 2; minus strand). Cytogenetic location: 17q24.1.
Variant type: single nucleotide variant.
Coding change: c.1402G>A on transcript NM_004655.4 (MANE Select); coding-DNA position 1402, G replaced by A.
Protein change: p.Asp468Asn; replaces aspartic acid 468 with asparagine.
Molecular consequence: missense variant.
Genome position (GRCh38, 1-based): chr17:65,537,634, C>T on the plus strand (G>A on the coding strand, the complement: AXIN2 is on the minus strand). VCF-style: chr17-65537634-C-T. GRCh37 (hg19) VCF-style: chr17-63533752-C-T.
Other names: c.1402G>A, p.Asp468Asn (NM_001363813.1); short protein forms D468N.
Identifiers: ClinVar variation 1974127 (VCV001974127.6), dbSNP rs1477541377, ClinGen allele CA400677581.